The following is an entry in ClinVar:

ClinVar aggregate classification (germline): Uncertain significance. Review status: criteria provided, multiple submitters, no conflicts (2 of 4 stars). 2 submissions from 2 submitters: Uncertain significance (2). Last evaluated 2023-09-08.

Submissions (2):

GeneDx
Classification: Uncertain significance. Last evaluated: 2023-09-08. Review status: criteria provided, single submitter. Criteria: GeneDx Variant Classification Process June 2021. Collection method: clinical testing. Allele origin: germline. Affected: yes.
Comment: Reported as an apparently de novo variant in a patient from a cohort of individuals with autism spectrum disorder (Fu et al., 2022); Not observed at significant frequency in large population cohorts (gnomAD); In silico analysis supports that this missense variant does not alter protein structure/function; This variant is associated with the following publications: (PMID: 35982159, 35982160)

Labcorp Genetics (formerly Invitae), Labcorp
Classification: Uncertain significance. Last evaluated: 2022-10-05. Review status: criteria provided, single submitter. Criteria: Invitae Variant Classification Sherloc (09022015). Collection method: clinical testing. Allele origin: germline.
Comment: Algorithms developed to predict the effect of missense changes on protein structure and function are either unavailable or do not agree on the potential impact of this missense change (SIFT: "Not Available"; PolyPhen-2: "Benign"; Align-GVGD: "Not Available"). In summary, the available evidence is currently insufficient to determine the role of this variant in disease. Therefore, it has been classified as a Variant of Uncertain Significance. This variant has not been reported in the literature in individuals affected with ADNP-related conditions. This variant is not present in population databases (gnomAD no frequency). This sequence change replaces phenylalanine, which is neutral and non-polar, with leucine, which is neutral and non-polar, at codon 85 of the ADNP protein (p.Phe85Leu).

NM_001282531.3(ADNP):c.253T>C (p.Phe85Leu)

Gene: ADNP (activity dependent neuroprotector homeobox; minus strand). Cytogenetic location: 20q13.13.
Variant type: single nucleotide variant.
Coding change: c.253T>C on transcript NM_001282531.3 (MANE Select); coding-DNA position 253, T replaced by C.
Protein change: p.Phe85Leu; replaces phenylalanine 85 with leucine.
Molecular consequence: missense variant.
Genome position (GRCh38, 1-based): chr20:50,894,461, A>G on the plus strand (T>C on the coding strand, the complement: ADNP is on the minus strand). VCF-style: chr20-50894461-A-G. GRCh37 (hg19) VCF-style: chr20-49510998-A-G.
Other names: c.253T>C, p.Phe85Leu (NM_001282532.2, NM_001347511.2, NM_015339.5 and 1 more transcripts); short protein forms F85L.
Identifiers: ClinVar variation 1721009 (VCV001721009.9), dbSNP rs2515592845, ClinGen allele CA408979834.
Genomic context (GRCh38, chr20:50,894,461, plus strand): 5'-TCCTATTTTCAAAGTCTTCACTATGGACATTGCGGAAATGACTTTTGTAGGCAGAGAAGA[A>G]TTTTGAGGAAAATGGACAAGCGCTGCAGCAGAAAGGTTTTGTCCGATAGTCCTAAAGTAA-3'
Protein context (NP_001269460.1, residues 75-95): CCSACPFSSK[Phe85Leu]FSAYKSHFRN